The following is an entry in ClinVar:

ClinVar aggregate classification (germline): Benign. Review status: criteria provided, multiple submitters, no conflicts (2 of 4 stars). 6 submissions from 6 submitters: Benign (6). Last evaluated 2026-07-01.

Conditions:
Multiple cutaneous and mucosal venous malformations (VMCM). Also called: TEK-Related Multiple Cutaneous and Mucosal Venous Malformations (VMCM). Identifiers: Orphanet 2451, MedGen C1838437, MONDO:0010842, OMIM 600195.

Allele frequency attached by ClinVar (database versions not stated): 1000 Genomes Project 30x 0.00187; 1000 Genomes Project 0.00200; TOPMed 0.00655; gnomAD 0.00703 and 0.00725; ESP Exome Variant Server 0.00723; gnomAD exomes 0.00732; ExAC 0.00783.
gnomAD v4.1: 16,454 of 1,614,058 alleles (1%); highest among the groups gnomAD compares: Non-Finnish European, 1.3%; 109 homozygotes.

Submissions (6):

CeGaT Center for Human Genetics Tuebingen
Classification: Benign. Last evaluated: 2026-07-01. Review status: criteria provided, single submitter. Criteria: CeGaT Center For Human Genetics Tuebingen Variant Classification Criteria Version 2. Collection method: clinical testing. Allele origin: germline. Affected: yes. Observed: 12 variant alleles.
Comment: TEK: BP4, BP7, BS1, BS2

Labcorp Genetics (formerly Invitae), Labcorp
Classification: Benign. Last evaluated: 2026-01-12. Review status: criteria provided, single submitter. Criteria: Invitae Variant Classification Sherloc (09022015). Collection method: clinical testing. Allele origin: germline.

ARUP Laboratories, Molecular Genetics and Genomics, ARUP Laboratories
Classification: Benign. Last evaluated: 2023-11-07. Review status: criteria provided, single submitter. Criteria: ARUP Molecular Germline Variant Investigation Process 2024. Collection method: clinical testing. Allele origin: germline.

Mayo Clinic Laboratories, Mayo Clinic
Classification: Benign. Last evaluated: 2023-07-26. Review status: criteria provided, single submitter. Criteria: ACMG Guidelines, 2015. Collection method: clinical testing. Allele origin: germline. Observed: 11 variant alleles.
Comment: BS1, BS2, BP4, BP7

Illumina Laboratory Services, Illumina
Classification: Benign for Multiple cutaneous and mucosal venous malformations. Last evaluated: 2018-01-13. Review status: criteria provided, single submitter. Criteria: ICSL Variant Classification Criteria 13 December 2019. Collection method: clinical testing. Allele origin: germline.
Comment: This variant was observed in the ICSL laboratory as part of a predisposition screen in an ostensibly healthy population. It had not been previously curated by ICSL or reported in the Human Gene Mutation Database (HGMD: prior to June 1st, 2018), and was therefore a candidate for classification through an automated scoring system. Utilizing variant allele frequency, disease prevalence and penetrance estimates, and inheritance mode, an automated score was calculated to assess if this variant is too frequent to cause the disease. Based on the score and internal cut-off values, a variant classified as benign is not then subjected to further curation. The score for this variant resulted in a classification of benign for this disease.

Breakthrough Genomics
Classification: Benign. Review status: criteria provided, single submitter. Criteria: ACMG Guidelines, 2015. Collection method: not provided. Allele origin: germline. Inheritance: Autosomal dominant inheritance. Affected: yes.

NM_000459.5(TEK):c.2838C>T (p.Ala946=)

Gene: TEK (TEK receptor tyrosine kinase; plus strand). Cytogenetic location: 9p21.2.
Variant type: single nucleotide variant.
Coding change: c.2838C>T on transcript NM_000459.5 (MANE Select); coding-DNA position 2838, C replaced by T.
Protein change: p.Ala946=; no amino-acid change (alanine 946 retained).
Molecular consequence: synonymous variant.
Genome position (GRCh38, 1-based): chr9:27,212,858, C>T. VCF-style: chr9-27212858-C-T. GRCh37 (hg19) VCF-style: chr9-27212856-C-T.
Other names: p.Ala946=; c.2709C>T, p.Ala903= (NM_001290077.2); c.2394C>T, p.Ala798= (NM_001290078.2); c.2835C>T, p.Ala945= (NM_001375475.1); c.2706C>T, p.Ala902= (NM_001375476.1).
Identifiers: ClinVar variation 366445 (VCV000366445.55), dbSNP rs45505400, ClinGen allele CA5016597.